The following is an entry in ClinVar:

ClinVar aggregate classification (germline): Uncertain significance (1 of 4 stars; one submission).

Submission:

Women's Health and Genetics/Laboratory Corporation of America, LabCorp
Classification: Uncertain significance. Last evaluated: 2023-11-15. Review status: criteria provided, single submitter. Criteria: LabCorp Variant Classification Summary - May 2015. Collection method: clinical testing. Allele origin: germline.
Comment: Variant summary: G6PC1 c.364G>A (p.Gly122Ser) results in a non-conservative amino acid change located in the Phosphatidic acid phosphatase type 2/haloperoxidase (IPR000326) of the encoded protein sequence. This alters a highly conserved residue (HGMD) in which another missense variant (p.Gly122Asp) is classified as pathogenic by ClinVar submitters with clinical and functional evidence. Three of five in-silico tools predict a damaging effect of the variant on protein function. The variant was absent in 251140 control chromosomes (gnomAD). To our knowledge, no occurrence of c.364G>A in individuals affected with Glycogen Storage Disease Type Ia and no experimental evidence demonstrating its impact on protein function have been reported. No submitters have cited clinical-significance assessments for this variant to ClinVar after 2014. Based on the evidence outlined above, the variant was classified as VUS-possibly pathogenic.

NM_000151.4(G6PC1):c.364G>A (p.Gly122Ser)

Gene: G6PC1 (glucose-6-phosphatase catalytic subunit 1; plus strand). Cytogenetic location: 17q21.31.
Variant type: single nucleotide variant.
Coding change: c.364G>A on transcript NM_000151.4 (MANE Select); coding-DNA position 364, G replaced by A.
Protein change: p.Gly122Ser; replaces glycine 122 with serine.
Molecular consequence: missense variant. On other transcripts: intron variant (1).
Genome position (GRCh38, 1-based): chr17:42,907,546, G>A. VCF-style: chr17-42907546-G-A. GRCh37 (hg19) VCF-style: chr17-41059563-G-A.
Other names: c.341-54G>A (NM_001270397.2); short protein forms G122S.
Identifiers: ClinVar variation 2682528 (VCV002682528.1), dbSNP rs2544211283, ClinGen allele CA399653785.
Genomic context (GRCh38, chr17:42,907,546, plus strand): 5'-TTTTCACCTTTACTCCATTCTCTTTCCTGCCCTTTAGGGAGCCCCTCTGGCCATGCCATG[G>A]GCACAGCAGGTGTATACTACGTGATGGTCACATCTACTCTTTCCATCTTTCAGGGAAAGA-3'
Protein context (NP_000142.2, residues 112-132): GPGSPSGHAM[Gly122Ser]TAGVYYVMVT